The following is an entry in ClinVar:

NM_001003787.4(STRADA):c.299G>A (p.Arg100Gln)

Gene: STRADA (STE20 related adaptor alpha; minus strand). Cytogenetic location: 17q23.3.
Variant type: single nucleotide variant.
Coding change: c.299G>A on transcript NM_001003787.4 (MANE Select); coding-DNA position 299, G replaced by A.
Protein change: p.Arg100Gln; replaces arginine 100 with glutamine.
Molecular consequence: missense variant. On other transcripts: non-coding transcript variant (1).
Genome position (GRCh38, 1-based): chr17:63,713,455, C>T on the plus strand (G>A on the coding strand, the complement: STRADA is on the minus strand). VCF-style: chr17-63713455-C-T. GRCh37 (hg19) VCF-style: chr17-61790815-C-T.
Other names: c.188G>A, p.Arg63Gln (NM_001003786.3, NM_001363789.1, NM_153335.6); c.125G>A, p.Arg42Gln (NM_001003788.3, NM_001363790.1, NM_001363791.1); c.212G>A, p.Arg71Gln (NM_001165969.2, NM_001363787.1); c.167G>A, p.Arg56Gln (NM_001165970.2); c.275G>A, p.Arg92Gln (NM_001363786.1); c.299G>A, p.Arg100Gln (NM_001363788.1); short protein forms R100Q, R42Q, R92Q, R56Q, R63Q, R71Q.
Identifiers: ClinVar variation 569510 (VCV000569510.4), dbSNP rs1408932415, ClinGen allele CA400593655.

ClinVar aggregate classification (germline): Uncertain significance. Review status: criteria provided, multiple submitters, no conflicts (2 of 4 stars). 2 submissions from 2 submitters: Uncertain significance (2). Last evaluated 2024-03-20.

Conditions:
Inborn genetic diseases. Identifiers: MedGen C0950123, MeSH D030342.
Polyhydramnios, megalencephaly, and symptomatic epilepsy (PMSE). Also called: PMSE SYNDROME. Identifiers: Orphanet 500533, MedGen C1970203, MONDO:0012611, OMIM 611087.

Allele frequency attached by ClinVar (database versions not stated): gnomAD 0.00001; gnomAD exomes 0.00001; TOPMed 0.00001.
gnomAD v4.1: 17 of 1,614,030 alleles (0.0011%); highest among the groups gnomAD compares: Non-Finnish European, 0.0014%; no homozygotes.

Submissions (2):

Ambry Genetics
Classification: Uncertain significance for Inborn genetic diseases. Last evaluated: 2024-03-20. Review status: criteria provided, single submitter. Criteria: Ambry Variant Classification Scheme 2023. Collection method: clinical testing. Allele origin: germline.

Labcorp Genetics (formerly Invitae), Labcorp
Classification: Uncertain significance for Polyhydramnios, megalencephaly, and symptomatic epilepsy. Last evaluated: 2021-12-15. Review status: criteria provided, single submitter. Criteria: Invitae Variant Classification Sherloc (09022015). Collection method: clinical testing. Allele origin: germline.
Comment: This sequence change replaces arginine, which is basic and polar, with glutamine, which is neutral and polar, at codon 100 of the STRADA protein (p.Arg100Gln). This variant is present in population databases (no rsID available, gnomAD 0.007%). This variant has not been reported in the literature in individuals affected with STRADA-related conditions. ClinVar contains an entry for this variant (Variation ID: 569510). Algorithms developed to predict the effect of missense changes on protein structure and function (SIFT, PolyPhen-2, Align-GVGD) all suggest that this variant is likely to be tolerated. In summary, the available evidence is currently insufficient to determine the role of this variant in disease. Therefore, it has been classified as a Variant of Uncertain Significance.